The following is an entry in ClinVar:

NM_000093.5(COL5A1):c.2374C>G (p.Arg792Gly)

Gene: COL5A1 (collagen type V alpha 1 chain; plus strand). Cytogenetic location: 9q34.3.
Variant type: single nucleotide variant.
Coding change: c.2374C>G on transcript NM_000093.5 (MANE Select); coding-DNA position 2374, C replaced by G.
Protein change: p.Arg792Gly; replaces arginine 792 with glycine.
Molecular consequence: missense variant.
Genome position (GRCh38, 1-based): chr9:134,774,901, C>G. VCF-style: chr9-134774901-C-G. GRCh37 (hg19) VCF-style: chr9-137666747-C-G.
Other names: c.2374C>G, p.Arg792Gly (NM_001278074.1); short protein forms R792G.
Identifiers: ClinVar variation 4849139 (VCV004849139.1).

ClinVar aggregate classification (germline): Uncertain significance (1 of 4 stars; one submission).

Submission:

Women's Health and Genetics/Laboratory Corporation of America, LabCorp
Classification: Uncertain significance. Last evaluated: 2026-04-21. Review status: criteria provided, single submitter. Criteria: LabCorp Variant Classification Summary - May 2015. Collection method: clinical testing. Allele origin: germline.
Comment: Variant summary: COL5A1 c.2374C>G (p.Arg792Gly) results in a non-conservative amino acid change in the encoded protein sequence. Algorithms developed to predict the effect of missense changes on protein structure and function all suggest that this variant is likely to be disruptive. The variant was absent in 248132 control chromosomes. The available data on variant occurrences in the general population are insufficient to allow any conclusion about variant significance. To our knowledge, no occurrence of c.2374C>G in individuals affected with COL5A1-related conditions and no experimental evidence demonstrating its impact on protein function have been reported. No submitters have cited clinical-significance assessments for this variant to ClinVar. Based on the evidence outlined above, the variant was classified as uncertain significance.